The following is an entry in ClinVar:

ClinVar aggregate classification (germline): Uncertain significance (1 of 4 stars; one submission).

gnomAD v4.1: 5 of 1,210,860 alleles (0.00041%); highest among the groups gnomAD compares: Non-Finnish European, 0.00056%; no homozygotes.

Submission:

Labcorp Genetics (formerly Invitae), Labcorp
Classification: Uncertain significance. Last evaluated: 2025-08-20. Review status: criteria provided, single submitter. Criteria: Invitae Variant Classification Sherloc (09022015). Collection method: clinical testing. Allele origin: germline.
Comment: This sequence change replaces lysine, which is basic and polar, with glutamic acid, which is acidic and polar, at codon 190 of the TSR2 protein (p.Lys190Glu). This variant is present in population databases (no rsID available, gnomAD 0.004%). This variant has not been reported in the literature in individuals affected with TSR2-related conditions. An algorithm developed to predict the effect of missense changes on protein structure and function (PolyPhen-2) suggests that this variant is likely to be tolerated. In summary, the available evidence is currently insufficient to determine the role of this variant in disease. Therefore, it has been classified as a Variant of Uncertain Significance.

NM_058163.3(TSR2):c.568A>G (p.Lys190Glu)

Gene: TSR2 (TSR2 ribosome maturation factor; plus strand). Cytogenetic location: Xp11.22.
Variant type: single nucleotide variant.
Coding change: c.568A>G on transcript NM_058163.3 (MANE Select); coding-DNA position 568, A replaced by G.
Protein change: p.Lys190Glu; replaces lysine 190 with glutamic acid.
Molecular consequence: missense variant.
Genome position (GRCh38, 1-based): chrX:54,444,542, A>G. VCF-style: chrX-54444542-A-G. GRCh37 (hg19) VCF-style: chrX-54470975-A-G.
Other names: c.559A>G, p.Lys187Glu (NM_001346789.2); c.283A>G, p.Lys95Glu (NM_001346790.2, NM_001346791.2, NM_001346792.2); short protein forms K187E, K190E, K95E.
Identifiers: ClinVar variation 4810791 (VCV004810791.1).
Genomic context (GRCh38, chrX:54,444,542, plus strand): 5'-GACGCTCAGACTATTAAGGAAGAGGATATAGTGGAAGATGGCTGGACCATTGTCCGGAGA[A>G]AAAAATGAGTGGGGATGATTGGAAATGGCTTTGGGCCCTTATTTGCTGTTCTAAGAGTTG-3'
Protein context (NP_477511.1, residues 180-191): VEDGWTIVRR[Lys190Glu]K